The following is an entry in ClinVar:

ClinVar aggregate classification (germline): Uncertain significance (1 of 4 stars; one submission).

Conditions:
PLXNA1-related disorder. Also called: PLXNA1-related condition.

Submission:

PreventionGenetics, part of Exact Sciences
Classification: Uncertain significance for PLXNA1-related condition. Last evaluated: 2026-02-04. Review status: criteria provided, single submitter. Criteria: ACMG Guidelines, 2015. Collection method: clinical testing. Allele origin: germline.
Comment: The PLXNA1 c.2507G>A variant is predicted to result in the amino acid substitution p.Arg836His. This variant has been reported in one patient with idiopathic hypogonadotropic hypogonadism (Patient A/II-5, Kotan et al. 2018. PubMed ID: 30467832). However, this patient also had a second variant in PLXNA1 and a single variant in the PROKR gene. Obesity status was not mentioned in this study. This variant is reported in 0.096% of alleles in individuals of Ashkenazi Jewish descent in gnomAD. Although we suspect that this variant may be benign, at this time, the clinical significance of this variant is uncertain due to the absence of conclusive functional and genetic evidence.

NM_032242.4(PLXNA1):c.2507G>A (p.Arg836His)

Gene: PLXNA1 (plexin A1; plus strand). Cytogenetic location: 3q21.3.
Variant type: single nucleotide variant.
Coding change: c.2507G>A on transcript NM_032242.4 (MANE Select); coding-DNA position 2507, G replaced by A.
Protein change: p.Arg836His; replaces arginine 836 with histidine.
Molecular consequence: missense variant.
Genome position (GRCh38, 1-based): chr3:127,014,278, G>A. VCF-style: chr3-127014278-G-A. GRCh37 (hg19) VCF-style: chr3-126733121-G-A.
Other names: short protein forms R836H.
Identifiers: ClinVar variation 3350452 (VCV003350452.2).